The following is an entry in ClinVar:

ClinVar aggregate classification (germline): Uncertain significance (1 of 4 stars; one submission).

gnomAD v4.1: 6 of 1,614,050 alleles (0.00037%); highest among the groups gnomAD compares: East Asian, 0.0022%; no homozygotes.

Submission:

Labcorp Genetics (formerly Invitae), Labcorp
Classification: Uncertain significance. Last evaluated: 2025-01-13. Review status: criteria provided, single submitter. Criteria: Invitae Variant Classification Sherloc (09022015). Collection method: clinical testing. Allele origin: germline.
Comment: This sequence change affects an acceptor splice site in intron 7 of the TRAP1 gene. It is expected to disrupt RNA splicing. Variants that disrupt the donor or acceptor splice site typically lead to a loss of protein function (PMID: 16199547), however the current clinical and genetic evidence is not sufficient to establish whether loss-of-function variants in TRAP1 cause disease. This variant is present in population databases (rs770576217, gnomAD 0.0009%). This variant has not been reported in the literature in individuals affected with TRAP1-related conditions. Algorithms developed to predict the effect of sequence changes on RNA splicing suggest that this variant may disrupt the consensus splice site. In summary, the available evidence is currently insufficient to determine the role of this variant in disease. Therefore, it has been classified as a Variant of Uncertain Significance.

Literature cited by the submitters: PubMed 16199547.

NM_016292.3(TRAP1):c.815-1G>C

Gene: TRAP1 (TNF receptor associated protein 1; minus strand). Cytogenetic location: 16p13.3.
Variant type: single nucleotide variant.
Coding change: c.815-1G>C on transcript NM_016292.3 (MANE Select); the canonical splice acceptor site of the intron before coding-DNA position 815, G replaced by C.
Molecular consequence: splice acceptor variant.
Genome position (GRCh38, 1-based): chr16:3,675,398, C>G on the plus strand (G>C on the coding strand, the complement: TRAP1 is on the minus strand). VCF-style: chr16-3675398-C-G. GRCh37 (hg19) VCF-style: chr16-3725399-C-G.
Other names: c.656-1G>C (NM_001272049.2).
Identifiers: ClinVar variation 3608355 (VCV003608355.2).